The following is an entry in ClinVar:

NM_018417.6(ADCY10):c.3829A>G (p.Met1277Val)

Gene: ADCY10 (adenylate cyclase 10; minus strand). Cytogenetic location: 1q24.2.
Variant type: single nucleotide variant.
Coding change: c.3829A>G on transcript NM_018417.6 (MANE Select); coding-DNA position 3829, A replaced by G.
Protein change: p.Met1277Val; replaces methionine 1277 with valine.
Molecular consequence: missense variant.
Genome position (GRCh38, 1-based): chr1:167,824,777, T>C on the plus strand (A>G on the coding strand, the complement: ADCY10 is on the minus strand). VCF-style: chr1-167824777-T-C. GRCh37 (hg19) VCF-style: chr1-167794015-T-C.
Other names: c.3370A>G, p.Met1124Val (NM_001167749.3); c.3553A>G, p.Met1185Val (NM_001297772.2); short protein forms M1185V, M1124V, M1277V.
Identifiers: ClinVar variation 2111579 (VCV002111579.4), dbSNP rs199699821, ClinGen allele CA1227229.

ClinVar aggregate classification (germline): Uncertain significance (1 of 4 stars; one submission).

Allele frequency attached by ClinVar (database versions not stated): TOPMed 0.00001; gnomAD exomes 0.00002; ExAC 0.00004; 1000 Genomes Project 0.00020; gnomAD 0.00002; 1000 Genomes Project 30x 0.00016.

Submission:

Labcorp Genetics (formerly Invitae), Labcorp
Classification: Uncertain significance. Last evaluated: 2025-02-24. Review status: criteria provided, single submitter. Criteria: Invitae Variant Classification Sherloc (09022015). Collection method: clinical testing. Allele origin: germline.
Comment: This sequence change replaces methionine, which is neutral and non-polar, with valine, which is neutral and non-polar, at codon 1277 of the ADCY10 protein (p.Met1277Val). This variant is present in population databases (rs199699821, gnomAD 0.05%). This variant has not been reported in the literature in individuals affected with ADCY10-related conditions. ClinVar contains an entry for this variant (Variation ID: 2111579). An algorithm developed to predict the effect of missense changes on protein structure and function (PolyPhen-2) suggests that this variant is likely to be tolerated. In summary, the available evidence is currently insufficient to determine the role of this variant in disease. Therefore, it has been classified as a Variant of Uncertain Significance.